The following is an entry in ClinVar:

NM_005585.5(SMAD6):c.1356del (p.Asp453fs)

Gene: SMAD6 (SMAD family member 6; plus strand). Cytogenetic location: 15q22.31.
Variant type: Deletion.
Coding change: c.1356del on transcript NM_005585.5 (MANE Select); coding-DNA position 1356, one base deleted (C; older notation c.1356delC).
Protein change: p.Asp453fs; shifts the reading frame from aspartic acid 453.
Molecular consequence: frameshift variant. On other transcripts: non-coding transcript variant (1).
Genome position (GRCh38, 1-based): chr15:66,781,400, C deleted; the last of 3 consecutive C bases (chr15:66,781,398-66,781,400); deleting any one gives the same sequence. VCF-style (leftmost placement, unchanged base first): chr15-66781397-GC-G. GRCh37 (hg19) VCF-style: chr15-67073735-GC-G.
Other names: short protein forms D453fs.
Identifiers: ClinVar variation 2645479 (VCV002645479.24), dbSNP rs1894570880, ClinGen allele CA970964062.

ClinVar aggregate classification (germline): Likely pathogenic (1 of 4 stars; one submission).

Submission:

CeGaT Center for Human Genetics Tuebingen
Classification: Likely pathogenic. Last evaluated: 2023-03-01. Review status: criteria provided, single submitter. Criteria: CeGaT Center For Human Genetics Tuebingen Variant Classification Criteria Version 2. Collection method: clinical testing. Allele origin: germline. Affected: yes. Observed: 1 variant allele.
Comment: SMAD6: PVS1:Strong, PM1